The following is an entry in ClinVar:

NM_001197104.2(KMT2A):c.10257T>C (p.Ser3419=)

Gene: KMT2A (lysine methyltransferase 2A; plus strand). Cytogenetic location: 11q23.3.
Variant type: single nucleotide variant.
Coding change: c.10257T>C on transcript NM_001197104.2 (MANE Select); coding-DNA position 10257, T replaced by C.
Protein change: p.Ser3419=; no amino-acid change (serine 3419 retained).
Molecular consequence: synonymous variant.
Genome position (GRCh38, 1-based): chr11:118,506,149, T>C. VCF-style: chr11-118506149-T-C. GRCh37 (hg19) VCF-style: chr11-118376864-T-C.
Other names: c.10248T>C, p.Ser3416= (NM_005933.4).
Identifiers: ClinVar variation 1596339 (VCV001596339.11), dbSNP rs375010813, ClinGen allele CA6304712.
Genomic context (GRCh38, chr11:118,506,149, plus strand): 5'-TGTGGCTTTACCGCCAAGTTCAGGAATGTTTCCACAACTGGGGACATCACAGACCCCCTC[T>C]ACTGCTGCAATAACAGCGGCATCTAGCATCTGTGTGCTCCCCTCCACTCAGACTACGGGC-3'
Protein context (NP_001184033.1, residues 3409-3429): FPQLGTSQTP[Ser3419=]TAAITAASSI

ClinVar aggregate classification (germline): Likely benign. Review status: criteria provided, multiple submitters, no conflicts (2 of 4 stars). 3 submissions from 3 submitters: Likely benign (2). 1 of the submissions does not count toward it. Last evaluated 2025-11-23.

Conditions:
KMT2A-related disorder. Also called: KMT2A-related condition.

Allele frequency attached by ClinVar (database versions not stated): gnomAD exomes 0.00003 and 0.00005; ExAC 0.00005; gnomAD 0.00014 and 0.00015; 1000 Genomes Project 30x 0.00016; 1000 Genomes Project 0.00020; TOPMed 0.00020; ESP Exome Variant Server 0.00023.
gnomAD v4.1: 62 of 1,614,198 alleles (0.0038%); highest among the groups gnomAD compares: African/African-American, 0.073%; no homozygotes.

Submissions (3):

Labcorp Genetics (formerly Invitae), Labcorp
Classification: Likely benign. Last evaluated: 2025-11-23. Review status: criteria provided, single submitter. Criteria: Invitae Variant Classification Sherloc (09022015). Collection method: clinical testing. Allele origin: germline.

GeneDx
Classification: Likely benign. Last evaluated: 2021-09-27. Review status: criteria provided, single submitter. Criteria: GeneDx Variant Classification Process June 2021. Collection method: clinical testing. Allele origin: germline. Affected: yes.
Comment: See Variant Classification Assertion Criteria.

PreventionGenetics, part of Exact Sciences
Classification: Likely benign for KMT2A-related condition. Last evaluated: 2024-05-08. Review status: no assertion criteria provided. Collection method: clinical testing. Allele origin: germline. Not counted in ClinVar's aggregate classification.
Comment: This variant is classified as likely benign based on ACMG/AMP sequence variant interpretation guidelines (Richards et al. 2015 PMID: 25741868, with internal and published modifications).